The following is an entry in ClinVar:

NM_001844.5(COL2A1):c.956C>T (p.Ser319Phe)

Gene: COL2A1 (collagen type II alpha 1 chain; minus strand). Cytogenetic location: 12q13.11.
Variant type: single nucleotide variant.
Coding change: c.956C>T on transcript NM_001844.5 (MANE Select); coding-DNA position 956, C replaced by T.
Protein change: p.Ser319Phe; replaces serine 319 with phenylalanine.
Molecular consequence: missense variant.
Genome position (GRCh38, 1-based): chr12:47,993,471, G>A on the plus strand (C>T on the coding strand, the complement: COL2A1 is on the minus strand). VCF-style: chr12-47993471-G-A. GRCh37 (hg19) VCF-style: chr12-48387254-G-A.
Other names: c.749C>T, p.Ser250Phe (NM_033150.3); short protein forms S319F, S250F.
Identifiers: ClinVar variation 4747075 (VCV004747075.1).

ClinVar aggregate classification (germline): Uncertain significance (1 of 4 stars; one submission).

Submission:

Labcorp Genetics (formerly Invitae), Labcorp
Classification: Uncertain significance. Last evaluated: 2025-04-22. Review status: criteria provided, single submitter. Criteria: Invitae Variant Classification Sherloc (09022015). Collection method: clinical testing. Allele origin: germline.
Comment: This sequence change replaces serine, which is neutral and polar, with phenylalanine, which is neutral and non-polar, at codon 319 of the COL2A1 protein (p.Ser319Phe). This variant is not present in population databases (gnomAD no frequency). This variant has not been reported in the literature in individuals affected with COL2A1-related conditions. Invitae Evidence Modeling of protein sequence and biophysical properties (such as structural, functional, and spatial information, amino acid conservation, physicochemical variation, residue mobility, and thermodynamic stability) indicates that this missense variant is not expected to disrupt COL2A1 protein function with a negative predictive value of 95%. In summary, the available evidence is currently insufficient to determine the role of this variant in disease. Therefore, it has been classified as a Variant of Uncertain Significance.